The following is an entry in ClinVar:

NM_006767.4(LZTR1):c.924C>T (p.Pro308=)

Gene: LZTR1 (leucine zipper like post translational regulator 1; plus strand). Cytogenetic location: 22q11.21.
Variant type: single nucleotide variant.
Coding change: c.924C>T on transcript NM_006767.4 (MANE Select); coding-DNA position 924, C replaced by T.
Protein change: p.Pro308=; no amino-acid change (proline 308 retained).
Molecular consequence: synonymous variant.
Genome position (GRCh38, 1-based): chr22:20,991,760, C>T. VCF-style: chr22-20991760-C-T. GRCh37 (hg19) VCF-style: chr22-21346049-C-T.
Other names: c.924C>T (NM_006767.3).
Identifiers: ClinVar variation 2652927 (VCV002652927.25), dbSNP rs1292292071, ClinGen allele CA513491038.

ClinVar aggregate classification (germline): Likely benign. Review status: criteria provided, multiple submitters, no conflicts (2 of 4 stars). 2 submissions from 2 submitters: Likely benign (2). Last evaluated 2024-09-08.

Conditions:
Cardiovascular phenotype. Identifiers: MedGen CN230736.
Hereditary cancer-predisposing syndrome. Also called: Neoplastic Syndromes, Hereditary; Tumor predisposition; Hereditary neoplastic syndrome; Hereditary Cancer Syndrome. Identifiers: Orphanet 140162, MedGen C0027672, MeSH D009386, MONDO:0015356.

Allele frequency attached by ClinVar (database versions not stated): gnomAD exomes 0.00001.
gnomAD v4.1: 7 of 1,559,466 alleles (0.00045%); highest among the groups gnomAD compares: Non-Finnish European, 0.00052%; no homozygotes.

Submissions (2):

Ambry Genetics
Classification: Likely benign for Cardiovascular phenotype; Hereditary cancer-predisposing syndrome. Last evaluated: 2024-09-08. Review status: criteria provided, single submitter. Criteria: Ambry Variant Classification Scheme 2023. Collection method: clinical testing. Allele origin: germline.

CeGaT Center for Human Genetics Tuebingen
Classification: Likely benign. Last evaluated: 2023-09-01. Review status: criteria provided, single submitter. Criteria: CeGaT Center For Human Genetics Tuebingen Variant Classification Criteria Version 2. Collection method: clinical testing. Allele origin: germline. Affected: yes. Observed: 1 variant allele.
Comment: LZTR1: BP4, BP7